The following is an entry in ClinVar:

NM_144670.6(A2ML1):c.63-6del

Genes: A2ML1-AS1 (A2ML1 antisense RNA 1; minus strand), A2ML1 (alpha-2-macroglobulin like 1; plus strand). Cytogenetic location: 12p13.31.
Variant type: Deletion.
Coding change: c.63-6del on transcript NM_144670.6 (MANE Select); 6 bases into the intron before coding-DNA position 63, one base deleted (T; older notation c.63-6delT).
Molecular consequence: intron variant.
Genome position (GRCh38, 1-based): chr12:8,823,176, T deleted; the last of 3 consecutive T bases (chr12:8,823,174-8,823,176); deleting any one gives the same sequence. VCF-style (leftmost placement, unchanged base first): chr12-8823173-CT-C. GRCh37 (hg19) VCF-style: chr12-8975769-CT-C.
Other names: c.63-6delT (NM_144670.6).
Identifiers: ClinVar variation 987849 (VCV000987849.8), dbSNP rs1463624612, ClinGen allele CA693105216.

ClinVar aggregate classification (germline): Likely benign. Review status: criteria provided, multiple submitters, no conflicts (2 of 4 stars). 2 submissions from 2 submitters: Likely benign (2). Last evaluated 2025-04-30.

Submissions (2):

Women's Health and Genetics/Laboratory Corporation of America, LabCorp
Classification: Likely benign. Last evaluated: 2025-04-30. Review status: criteria provided, single submitter. Criteria: LabCorp Variant Classification Summary - May 2015. Collection method: clinical testing. Allele origin: germline.
Comment: Variant summary: A2ML1 c.63-6delT alters a non-conserved nucleotide located at a position not widely known to affect splicing. Consensus agreement among computation tools predict no significant impact on normal splicing. However, these predictions have yet to be confirmed by functional studies. The variant was absent in 247354 control chromosomes. The available data on variant occurrences in the general population are insufficient to allow any conclusion about variant significance. To our knowledge, no occurrence of c.63-6delT in individuals affected with Noonan Syndrome and no experimental evidence demonstrating its impact on protein function have been reported. ClinVar contains an entry for this variant (Variation ID: 987849). Based on the evidence outlined above, the variant was classified as likely benign.

Labcorp Genetics (formerly Invitae), Labcorp
Classification: Likely benign. Last evaluated: 2024-10-08. Review status: criteria provided, single submitter. Criteria: Invitae Variant Classification Sherloc (09022015). Collection method: clinical testing. Allele origin: germline.